The following is an entry in ClinVar:

NM_138615.3(DHX30):c.467C>T (p.Pro156Leu)

Gene: DHX30 (DExH-box helicase 30; plus strand). Cytogenetic location: 3p21.31.
Variant type: single nucleotide variant.
Coding change: c.467C>T on transcript NM_138615.3 (MANE Select); coding-DNA position 467, C replaced by T.
Protein change: p.Pro156Leu; replaces proline 156 with leucine.
Molecular consequence: missense variant.
Genome position (GRCh38, 1-based): chr3:47,840,977, C>T. VCF-style: chr3-47840977-C-T. GRCh37 (hg19) VCF-style: chr3-47882467-C-T.
Other names: c.383C>T, p.Pro128Leu (NM_001330990.2); c.350C>T, p.Pro117Leu (NM_014966.4); short protein forms P117L, P128L, P156L.
Identifiers: ClinVar variation 3898435 (VCV003898435.7).

ClinVar aggregate classification (germline): Likely benign (1 of 4 stars; one submission).

gnomAD v4.1: 20 of 1,614,066 alleles (0.0012%); highest among the groups gnomAD compares: African/African-American, 0.004%; no homozygotes.

Submission:

CeGaT Center for Human Genetics Tuebingen
Classification: Likely benign. Last evaluated: 2025-04-01. Review status: criteria provided, single submitter. Criteria: CeGaT Center For Human Genetics Tuebingen Variant Classification Criteria Version 2. Collection method: clinical testing. Allele origin: germline. Affected: yes. Observed: 1 variant allele.
Comment: DHX30: BS2